The following is an entry in ClinVar:

ClinVar aggregate classification (germline): Uncertain significance (1 of 4 stars; one submission).

gnomAD v4.1: 1 of 1,596,232 alleles (0.000063%); highest among the groups gnomAD compares: Non-Finnish European, 0.000085%; no homozygotes.

Submission:

Dasa
Classification: Uncertain significance. Last evaluated: 2024-10-01. Review status: criteria provided, single submitter. Criteria: DASA Assertion Criteria. Collection method: clinical testing. Allele origin: germline.
Comment: NM_170606.3(KMT2C):c.4247C>G (p.Ser1416Trp) is a missense variant that results in the substitution of serine with tryptophan. This variant is rare in population databases. The currently available literature and clinical evidence are not sufficient to establish a definitive association between this variant and the reported condition. Therefore, this variant is classified as a variant of uncertain significance.

NM_170606.3(KMT2C):c.4247C>G (p.Ser1416Trp)

Gene: KMT2C (lysine methyltransferase 2C; minus strand). Cytogenetic location: 7q36.1.
Variant type: single nucleotide variant.
Coding change: c.4247C>G on transcript NM_170606.3 (MANE Select); coding-DNA position 4247, C replaced by G.
Protein change: p.Ser1416Trp; replaces serine 1416 with tryptophan.
Molecular consequence: missense variant.
Genome position (GRCh38, 1-based): chr7:152,199,305, G>C on the plus strand (C>G on the coding strand, the complement: KMT2C is on the minus strand). VCF-style: chr7-152199305-G-C. GRCh37 (hg19) VCF-style: chr7-151896390-G-C.
Other names: short protein forms S1416W.
Identifiers: ClinVar variation 4884992 (VCV004884992.2).
Genomic context (GRCh38, chr7:152,199,305, plus strand): 5'-TATAAAGAAAATATCTGTGAATAATTCTACATACCGTGAGTTCCAGATTTTGTTGGAGCC[G>C]AGGATGAACTAAGTAGTGGATCTAAGGAAGGATCCAAGAAACCTGTGTTCATGTTTGTTT-3'
Protein context (NP_733751.2, residues 1406-1426): PSLDPLLSSS[Ser1416Trp]APTKSGTHGP